The following is an entry in ClinVar:

NM_002485.5(NBN):c.2167C>A (p.Leu723Ile)

Gene: NBN (nibrin; minus strand). Cytogenetic location: 8q21.3.
Variant type: single nucleotide variant.
Coding change: c.2167C>A on transcript NM_002485.5 (MANE Select); coding-DNA position 2167, C replaced by A.
Protein change: p.Leu723Ile; replaces leucine 723 with isoleucine.
Molecular consequence: missense variant.
Genome position (GRCh38, 1-based): chr8:89,943,270, G>T on the plus strand (C>A on the coding strand, the complement: NBN is on the minus strand). VCF-style: chr8-89943270-G-T. GRCh37 (hg19) VCF-style: chr8-90955498-G-T.
Other names: c.1921C>A, p.Leu641Ile (NM_001024688.3); short protein forms L723I, L641I.
Identifiers: ClinVar variation 630215 (VCV000630215.11), dbSNP rs759888769, ClinGen allele CA181273264.

ClinVar aggregate classification (germline): Uncertain significance. Review status: criteria provided, multiple submitters, no conflicts (2 of 4 stars). 2 submissions from 2 submitters: Uncertain significance (2). Last evaluated 2024-04-27.

Conditions:
Hereditary cancer-predisposing syndrome. Also called: Hereditary Cancer Syndrome; Neoplastic Syndromes, Hereditary; Tumor predisposition; Hereditary neoplastic syndrome. Identifiers: Orphanet 140162, MedGen C0027672, MeSH D009386, MONDO:0015356.
Microcephaly, normal intelligence and immunodeficiency (NBS). Also called: Immunodeficiency, microcephaly with normal intelligence; SEEMANOVA SYNDROME II; Nijmegen breakage syndrome; Microcephaly with normal intelligence immunodeficiency and lymphoreticular malignancies; Nonsyndromal microcephaly autosomal recessive with normal intelligence; Seemanova syndrome 2. Identifiers: Orphanet 647, MedGen C0398791, MONDO:0009623, OMIM 251260.

Allele frequency attached by ClinVar (database versions not stated): TOPMed below 0.00001.

Submissions (2):

Ambry Genetics
Classification: Uncertain significance for Hereditary cancer-predisposing syndrome. Last evaluated: 2024-04-27. Review status: criteria provided, single submitter. Criteria: Ambry Variant Classification Scheme 2023. Collection method: clinical testing. Allele origin: germline.
Comment: The p.L723I variant (also known as c.2167C>A), located in coding exon 14 of the NBN gene, results from a C to A substitution at nucleotide position 2167. The leucine at codon 723 is replaced by isoleucine, an amino acid with highly similar properties. This amino acid position is conserved. In addition, this alteration is predicted to be tolerated by in silico analysis. Based on the available evidence, the clinical significance of this variant remains unclear.

Labcorp Genetics (formerly Invitae), Labcorp
Classification: Uncertain significance for Microcephaly, normal intelligence and immunodeficiency. Last evaluated: 2021-03-10. Review status: criteria provided, single submitter. Criteria: Invitae Variant Classification Sherloc (09022015). Collection method: clinical testing. Allele origin: germline.
Comment: In summary, the available evidence is currently insufficient to determine the role of this variant in disease. Therefore, it has been classified as a Variant of Uncertain Significance. Algorithms developed to predict the effect of missense changes on protein structure and function are either unavailable or do not agree on the potential impact of this missense change (SIFT: "Deleterious"; PolyPhen-2: "Probably Damaging"; Align-GVGD: "Class C0"). This variant has not been reported in the literature in individuals with NBN-related conditions. ClinVar contains an entry for this variant (Variation ID: 630215). This variant is not present in population databases (ExAC no frequency). This sequence change replaces leucine with isoleucine at codon 723 of the NBN protein (p.Leu723Ile). The leucine residue is highly conserved and there is a small physicochemical difference between leucine and isoleucine.